The following is an entry in ClinVar:

NM_001008212.2(OPTN):c.1103del (p.Met368fs)

Gene: OPTN (optineurin; plus strand). Cytogenetic location: 10p13.
Variant type: Deletion.
Coding change: c.1103del on transcript NM_001008212.2 (MANE Select); coding-DNA position 1103, one base deleted (T; older notation c.1103delT).
Protein change: p.Met368fs; shifts the reading frame from methionine 368.
Molecular consequence: frameshift variant.
Genome position (GRCh38, 1-based): chr10:13,125,522, T deleted. VCF-style (leftmost placement, unchanged base first): chr10-13125521-AT-A. GRCh37 (hg19) VCF-style: chr10-13167521-AT-A.
Other names: c.1103del, p.Met368fs (NM_001008211.1, NM_001008213.1, NM_021980.4); short protein forms M368fs.
Identifiers: ClinVar variation 2936645 (VCV002936645.3), dbSNP rs1564365123, ClinGen allele CA592075780.

ClinVar aggregate classification (germline): Pathogenic (1 of 4 stars; one submission).

Conditions:
Primary open angle glaucoma (POAG). Also called: OPTN-related open angle glaucoma. Identifiers: MedGen C0339573, MONDO:0100553, OMIM 137760.
Amyotrophic lateral sclerosis type 12 (ALS12). Also called: AMYOTROPHIC LATERAL SCLEROSIS 12 WITH OR WITHOUT FRONTOTEMPORAL DEMENTIA. Identifiers: Orphanet 803, MedGen C3150692, MONDO:0013264, OMIM 613435.
Glaucoma 1, open angle, E. Identifiers: MedGen C1842026, MONDO:0007665.

Allele frequency attached by ClinVar (database versions not stated): gnomAD exomes below 0.00001.

Submission:

Labcorp Genetics (formerly Invitae), Labcorp
Classification: Pathogenic for Primary open angle glaucoma; Glaucoma 1, open angle, E; Amyotrophic lateral sclerosis type 12. Last evaluated: 2023-02-20. Review status: criteria provided, single submitter. Criteria: Invitae Variant Classification Sherloc (09022015). Collection method: clinical testing. Allele origin: germline.
Comment: This sequence change creates a premature translational stop signal (p.Met368Serfs*19) in the OPTN gene. It is expected to result in an absent or disrupted protein product. Loss-of-function variants in OPTN are known to be pathogenic (PMID: 20428114). This variant is present in population databases (no rsID available, gnomAD 0.0009%). This variant has not been reported in the literature in individuals affected with OPTN-related conditions. For these reasons, this variant has been classified as Pathogenic.

Literature cited by the submitters: PubMed 20428114.